The following is an entry in ClinVar:

ClinVar aggregate classification (germline): Uncertain significance (1 of 4 stars; one submission).

gnomAD v4.1: 1 of 1,606,826 alleles (0.000062%); highest among the groups gnomAD compares: Non-Finnish European, 0.000085%; no homozygotes.

Submission:

GeneDx
Classification: Uncertain significance. Last evaluated: 2024-12-22. Review status: criteria provided, single submitter. Criteria: GeneDx Variant Classification Process June 2021. Collection method: clinical testing. Allele origin: germline. Affected: yes.
Comment: Not observed at significant frequency in large population cohorts (gnomAD); In silico analysis indicates that this missense variant does not alter protein structure/function; Has not been previously published as pathogenic or benign to our knowledge; This substitution is predicted to be within the cytoplasmic loop between the second and third homologous domains

NM_001165963.4(SCN1A):c.3050A>C (p.Asp1017Ala)

Gene: SCN1A (sodium voltage-gated channel alpha subunit 1; minus strand). Cytogenetic location: 2q24.3.
Variant type: single nucleotide variant.
Coding change: c.3050A>C on transcript NM_001165963.4 (MANE Select); coding-DNA position 3050, A replaced by C.
Protein change: p.Asp1017Ala; replaces aspartic acid 1017 with alanine.
Molecular consequence: missense variant. On other transcripts: non-coding transcript variant (1).
Genome position (GRCh38, 1-based): chr2:166,036,427, T>G on the plus strand (A>C on the coding strand, the complement: SCN1A is on the minus strand). VCF-style: chr2-166036427-T-G. GRCh37 (hg19) VCF-style: chr2-166892937-T-G.
Other names: c.2966A>C, p.Asp989Ala (NM_001165964.3, NM_001353957.2, NM_001353958.2); c.3050A>C, p.Asp1017Ala (NM_001202435.3, NM_001353948.2); c.3017A>C, p.Asp1006Ala (NM_001353949.2, NM_001353950.2, NM_001353951.2 and 2 more transcripts); c.3014A>C, p.Asp1005Ala (NM_001353954.2, NM_001353955.2); c.2963A>C, p.Asp988Ala (NM_001353960.2); c.608A>C, p.Asp203Ala (NM_001353961.2); short protein forms D1005A, D1006A, D1017A, D203A, D988A, D989A.
Identifiers: ClinVar variation 3906776 (VCV003906776.1).